The following is an entry in ClinVar:

NM_015662.3(IFT172):c.3357C>T (p.His1119=)

Gene: IFT172 (intraflagellar transport 172; minus strand). Cytogenetic location: 2p23.3.
Variant type: single nucleotide variant.
Coding change: c.3357C>T on transcript NM_015662.3 (MANE Select); coding-DNA position 3357, C replaced by T.
Protein change: p.His1119=; no amino-acid change (histidine 1119 retained).
Molecular consequence: synonymous variant.
Genome position (GRCh38, 1-based): chr2:27,456,525, G>A on the plus strand (C>T on the coding strand, the complement: IFT172 is on the minus strand). VCF-style: chr2-27456525-G-A. GRCh37 (hg19) VCF-style: chr2-27679392-G-A.
Identifiers: ClinVar variation 387419 (VCV000387419.18), dbSNP rs76787560, ClinGen allele CA1580025.

ClinVar aggregate classification (germline): Benign/Likely benign. Review status: criteria provided, multiple submitters, no conflicts (2 of 4 stars). 5 submissions from 5 submitters: Benign (1); Likely benign (3). 1 of the submissions does not count toward it. Last evaluated 2026-02-02.

Conditions:
Retinitis pigmentosa 71 (RP71). Identifiers: Orphanet 791, MedGen C4225342, MONDO:0014618, OMIM 616394.
Short-rib thoracic dysplasia 10 with or without polydactyly (SRTD10). Identifiers: Orphanet 474, MedGen C3810175, MONDO:0014284, OMIM 615630.
IFT172-related disorder. Also called: IFT172-related disorders; IFT172-related condition.

Allele frequency attached by ClinVar (database versions not stated): gnomAD exomes 0.00027 and 0.00065; ExAC 0.00073; gnomAD 0.00219 and 0.00238; 1000 Genomes Project 0.00220; 1000 Genomes Project 30x 0.00234; ESP Exome Variant Server 0.00246; TOPMed 0.00260.
gnomAD v4.1: 752 of 1,613,688 alleles (0.047%); highest among the groups gnomAD compares: African/African-American, 0.76%; 3 homozygotes.

Submissions (5):

Labcorp Genetics (formerly Invitae), Labcorp
Classification: Benign for Retinitis pigmentosa 71; Short-rib thoracic dysplasia 10 with or without polydactyly. Last evaluated: 2026-02-02. Review status: criteria provided, single submitter. Criteria: Invitae Variant Classification Sherloc (09022015). Collection method: clinical testing. Allele origin: germline.

Blueprint Genetics
Classification: Likely benign. Last evaluated: 2024-11-18. Review status: criteria provided, single submitter. Criteria: ACMG Guidelines, 2015. Collection method: clinical testing. Allele origin: germline.

Genetic Services Laboratory, University of Chicago
Classification: Likely benign. Last evaluated: 2021-07-16. Review status: criteria provided, single submitter. Criteria: ACMG Guidelines, 2015. Collection method: clinical testing. Allele origin: germline. Affected: no.

GeneDx
Classification: Likely benign. Last evaluated: 2017-02-07. Review status: criteria provided, single submitter. Criteria: GeneDx Variant Classification (06012015). Collection method: clinical testing. Allele origin: germline. Affected: yes.
Comment: This variant is considered likely benign or benign based on one or more of the following criteria: it is a conservative change, it occurs at a poorly conserved position in the protein, it is predicted to be benign by multiple in silico algorithms, and/or has population frequency not consistent with disease.

PreventionGenetics, part of Exact Sciences
Classification: Benign for IFT172-related condition. Last evaluated: 2020-03-20. Review status: no assertion criteria provided. Collection method: clinical testing. Allele origin: germline. Not counted in ClinVar's aggregate classification.
Comment: This variant is classified as benign based on ACMG/AMP sequence variant interpretation guidelines (Richards et al. 2015 PMID: 25741868, with internal and published modifications).